The following is an entry in ClinVar:

NM_001366385.1(CARD14):c.1420A>T (p.Ser474Cys)

Gene: CARD14 (caspase recruitment domain family member 14; plus strand). Cytogenetic location: 17q25.3.
Variant type: single nucleotide variant.
Coding change: c.1420A>T on transcript NM_001366385.1 (MANE Select); coding-DNA position 1420, A replaced by T.
Protein change: p.Ser474Cys; replaces serine 474 with cysteine.
Molecular consequence: missense variant. On other transcripts: non-coding transcript variant (1).
Genome position (GRCh38, 1-based): chr17:80,195,254, A>T. VCF-style: chr17-80195254-A-T. GRCh37 (hg19) VCF-style: chr17-78169053-A-T.
Other names: c.1420A>T, p.Ser474Cys (NM_001257970.1, NM_024110.4); c.709A>T, p.Ser237Cys (NM_052819.3); short protein forms S237C, S474C.
Identifiers: ClinVar variation 2941967 (VCV002941967.3), dbSNP rs2510667210, ClinGen allele CA401348915.

ClinVar aggregate classification (germline): Uncertain significance (1 of 4 stars; one submission).

Conditions:
Psoriasis 2. Identifiers: MedGen C1864497, MONDO:0011269, OMIM 602723.
Pityriasis rubra pilaris (PRP). Also called: Pityriasis rubra pilaris--familial type. Identifiers: Orphanet 2897, MedGen C0032027, MONDO:0100017, OMIM 173200, MONDO:0008251.

Submission:

Labcorp Genetics (formerly Invitae), Labcorp
Classification: Uncertain significance for Pityriasis rubra pilaris; Psoriasis 2. Last evaluated: 2022-12-01. Review status: criteria provided, single submitter. Criteria: Invitae Variant Classification Sherloc (09022015). Collection method: clinical testing. Allele origin: germline.
Comment: In summary, the available evidence is currently insufficient to determine the role of this variant in disease. Therefore, it has been classified as a Variant of Uncertain Significance. Advanced modeling of protein sequence and biophysical properties (such as structural, functional, and spatial information, amino acid conservation, physicochemical variation, residue mobility, and thermodynamic stability) performed at Invitae indicates that this missense variant is not expected to disrupt CARD14 protein function. This variant has not been reported in the literature in individuals affected with CARD14-related conditions. This variant is not present in population databases (gnomAD no frequency). This sequence change replaces serine, which is neutral and polar, with cysteine, which is neutral and slightly polar, at codon 474 of the CARD14 protein (p.Ser474Cys).